The following is an entry in ClinVar:

NM_002900.3(RBP3):c.3667C>T (p.Leu1223Phe)

Gene: RBP3 (retinol binding protein 3; plus strand). Cytogenetic location: 10q11.22.
Variant type: single nucleotide variant.
Coding change: c.3667C>T on transcript NM_002900.3 (MANE Select); coding-DNA position 3667, C replaced by T.
Protein change: p.Leu1223Phe; replaces leucine 1223 with phenylalanine.
Molecular consequence: missense variant.
Genome position (GRCh38, 1-based): chr10:47,357,380, C>T. VCF-style: chr10-47357380-C-T. GRCh37 (hg19) VCF-style: chr10-48381982-G-A.
Other names: short protein forms L1223F.
Identifiers: ClinVar variation 837616 (VCV000837616.10), dbSNP rs143507852, ClinGen allele CA5486990.

ClinVar aggregate classification (germline): Uncertain significance. Review status: criteria provided, multiple submitters, no conflicts (2 of 4 stars). 3 submissions from 3 submitters: Uncertain significance (3). Last evaluated 2024-03-07.

Conditions:
Retinitis pigmentosa (RP). Identifiers: Orphanet 791, MedGen C0035334, MeSH D012174, MONDO:0019200, OMIM 268000. Inheritance: Autosomal dominant, autosomal recessive and X linked inheritance.

Allele frequency attached by ClinVar (database versions not stated): TOPMed 0.00041; gnomAD 0.00050; ESP Exome Variant Server 0.00069; 1000 Genomes Project 0.00080; 1000 Genomes Project 30x 0.00094.

Submissions (3):

Blueprint Genetics
Classification: Uncertain significance. Last evaluated: 2024-03-07. Review status: criteria provided, single submitter. Criteria: ACMG Guidelines, 2015. Collection method: clinical testing. Allele origin: germline.

Labcorp Genetics (formerly Invitae), Labcorp
Classification: Uncertain significance. Last evaluated: 2023-12-07. Review status: criteria provided, single submitter. Criteria: Invitae Variant Classification Sherloc (09022015). Collection method: clinical testing. Allele origin: germline.
Comment: This sequence change replaces leucine, which is neutral and non-polar, with phenylalanine, which is neutral and non-polar, at codon 1223 of the RBP3 protein (p.Leu1223Phe). This variant is present in population databases (rs143507852, gnomAD 0.06%). This variant has not been reported in the literature in individuals affected with RBP3-related conditions. ClinVar contains an entry for this variant (Variation ID: 837616). An algorithm developed to predict the effect of missense changes on protein structure and function (PolyPhen-2) suggests that this variant is likely to be disruptive. In summary, the available evidence is currently insufficient to determine the role of this variant in disease. Therefore, it has been classified as a Variant of Uncertain Significance.

Illumina Laboratory Services, Illumina
Classification: Uncertain significance for Retinitis pigmentosa. Last evaluated: 2018-01-12. Review status: criteria provided, single submitter. Criteria: ICSL Variant Classification Criteria 13 December 2019. Collection method: clinical testing. Allele origin: germline.